The following is an entry in ClinVar:

NM_000834.5(GRIN2B):c.4429C>G (p.Leu1477Val)

Gene: GRIN2B (glutamate ionotropic receptor NMDA type subunit 2B; minus strand). Cytogenetic location: 12p13.1.
Variant type: single nucleotide variant.
Coding change: c.4429C>G on transcript NM_000834.5 (MANE Select); coding-DNA position 4429, C replaced by G.
Protein change: p.Leu1477Val; replaces leucine 1477 with valine.
Molecular consequence: missense variant.
Genome position (GRCh38, 1-based): chr12:13,562,809, G>C on the plus strand (C>G on the coding strand, the complement: GRIN2B is on the minus strand). VCF-style: chr12-13562809-G-C. GRCh37 (hg19) VCF-style: chr12-13715743-G-C.
Other names: p.Leu1477Val; c.4429C>G (NM_000834.4); short protein forms L1477V.
Identifiers: ClinVar variation 1367523 (VCV001367523.8), dbSNP rs1388986519, ClinGen allele CA383984886.

ClinVar aggregate classification (germline): Uncertain significance. Review status: criteria provided, multiple submitters, no conflicts (2 of 4 stars). 3 submissions from 3 submitters: Uncertain significance (3). Last evaluated 2025-10-21.

Conditions:
Intellectual developmental disorder, autosomal dominant 6, with or without seizures. Also called: GRIN2B-related developmental delay, intellectual disability and autism spectrum disorder; Intellectual disability, autosomal dominant 6. Identifiers: Orphanet 589547, MedGen C3151411, MONDO:0013509, OMIM 613970.
Developmental and epileptic encephalopathy, 27 (DEE27). Also called: GRIN2B-Related Neurodevelopmental Disorder; Epileptic encephalopathy, early infantile, 27. Identifiers: Orphanet 3451, MedGen C4015316, MONDO:0014505, OMIM 616139.

Allele frequency attached by ClinVar (database versions not stated): TOPMed below 0.00001; gnomAD 0.00001; gnomAD exomes below 0.00001.
gnomAD v4.1: 4 of 1,613,992 alleles (0.00025%); highest among the groups gnomAD compares: Non-Finnish European, 0.00034%; no homozygotes.

Submissions (3):

Labcorp Genetics (formerly Invitae), Labcorp
Classification: Uncertain significance for Developmental and epileptic encephalopathy, 27; Intellectual developmental disorder, autosomal dominant 6, with or without seizures. Last evaluated: 2025-10-21. Review status: criteria provided, single submitter. Criteria: Invitae Variant Classification Sherloc (09022015). Collection method: clinical testing. Allele origin: germline.
Comment: This sequence change replaces leucine, which is neutral and non-polar, with valine, which is neutral and non-polar, at codon 1477 of the GRIN2B protein (p.Leu1477Val). This variant is not present in population databases (gnomAD no frequency). This variant has not been reported in the literature in individuals affected with GRIN2B-related conditions. ClinVar contains an entry for this variant (Variation ID: 1367523). Invitae Evidence Modeling of protein sequence and biophysical properties (such as structural, functional, and spatial information, amino acid conservation, physicochemical variation, residue mobility, and thermodynamic stability) has been performed for this missense variant. However, the output from this modeling did not meet the statistical confidence thresholds required to predict the impact of this variant on GRIN2B protein function. In summary, the available evidence is currently insufficient to determine the role of this variant in disease. Therefore, it has been classified as a Variant of Uncertain Significance.

Mayo Clinic Laboratories, Mayo Clinic
Classification: Uncertain significance. Last evaluated: 2025-06-27. Review status: criteria provided, single submitter. Criteria: ACMG Guidelines, 2015. Collection method: clinical testing. Allele origin: germline. Observed: 1 variant allele.
Comment: BP4

Blueprint Genetics
Classification: Uncertain significance. Last evaluated: 2024-09-17. Review status: criteria provided, single submitter. Criteria: ACMG Guidelines, 2015. Collection method: clinical testing. Allele origin: germline.